The following is an entry in ClinVar:

NM_024675.4(PALB2):c.2493G>A (p.Leu831=)

Gene: PALB2 (partner and localizer of BRCA2; minus strand). Cytogenetic location: 16p12.2.
Variant type: single nucleotide variant.
Coding change: c.2493G>A on transcript NM_024675.4 (MANE Select); coding-DNA position 2493, G replaced by A.
Protein change: p.Leu831=; no amino-acid change (leucine 831 retained).
Molecular consequence: synonymous variant.
Genome position (GRCh38, 1-based): chr16:23,629,661, C>T on the plus strand (G>A on the coding strand, the complement: PALB2 is on the minus strand). VCF-style: chr16-23629661-C-T. GRCh37 (hg19) VCF-style: chr16-23640982-C-T.
Identifiers: ClinVar variation 1131315 (VCV001131315.12), dbSNP rs749001322, ClinGen allele CA7963567.

ClinVar aggregate classification (germline): Benign/Likely benign. Review status: criteria provided, multiple submitters, no conflicts (2 of 4 stars). 3 submissions from 3 submitters: Benign (1); Likely benign (2). Last evaluated 2025-01-16.

Conditions:
Familial cancer of breast. Also called: hereditary breast carcinoma; Hereditary breast cancer; BREAST CANCER, FAMILIAL. Identifiers: Orphanet 227535, MedGen C0346153, MONDO:0016419, OMIM 114480. Disease mechanism: loss of function.
Hereditary cancer-predisposing syndrome. Also called: Neoplastic Syndromes, Hereditary; Hereditary Cancer Syndrome; Tumor predisposition; Hereditary neoplastic syndrome. Identifiers: Orphanet 140162, MedGen C0027672, MeSH D009386, MONDO:0015356.

Allele frequency attached by ClinVar (database versions not stated): gnomAD exomes below 0.00001; ExAC 0.00001.
gnomAD v4.1: 1 of 1,614,148 alleles (0.000062%); highest among the groups gnomAD compares: Non-Finnish European, 0.000085%; no homozygotes.

Submissions (3):

Myriad Genetics, Inc.
Classification: Benign for Familial cancer of breast. Last evaluated: 2025-01-16. Review status: criteria provided, single submitter. Criteria: Myriad Autosomal Dominant, Autosomal Recessive and X-Linked Classification Criteria (2023). Collection method: clinical testing. Allele origin: unknown.
Comment: This variant is considered benign. This variant is a silent/synonymous amino acid change and it is not expected to impact splicing.

Color Diagnostics, LLC DBA Color Health
Classification: Likely benign for Hereditary cancer-predisposing syndrome. Last evaluated: 2024-12-10. Review status: criteria provided, single submitter. Criteria: ACMG Guidelines, 2015. Collection method: clinical testing. Allele origin: germline.

Labcorp Genetics (formerly Invitae), Labcorp
Classification: Likely benign for Familial cancer of breast. Last evaluated: 2024-02-15. Review status: criteria provided, single submitter. Criteria: Invitae Variant Classification Sherloc (09022015). Collection method: clinical testing. Allele origin: germline.